The following is an entry in ClinVar:

NM_001165963.4(SCN1A):c.1199T>C (p.Met400Thr)

Gene: SCN1A (sodium voltage-gated channel alpha subunit 1; minus strand). Cytogenetic location: 2q24.3.
Variant type: single nucleotide variant.
Coding change: c.1199T>C on transcript NM_001165963.4 (MANE Select); coding-DNA position 1199, T replaced by C.
Protein change: p.Met400Thr; replaces methionine 400 with threonine.
Molecular consequence: missense variant. On other transcripts: non-coding transcript variant (1), 5 prime UTR variant (1).
Genome position (GRCh38, 1-based): chr2:166,046,948, A>G on the plus strand (T>C on the coding strand, the complement: SCN1A is on the minus strand). VCF-style: chr2-166046948-A-G. GRCh37 (hg19) VCF-style: chr2-166903458-A-G.
Other names: c.1199T>C, p.Met400Thr (NM_006920.6, NM_001165964.3, NM_001202435.3 and 10 more transcripts); c.-1227T>C (NM_001353961.2); short protein forms M400T.
Identifiers: ClinVar variation 1056951 (VCV001056951.10), dbSNP rs794726725, ClinGen allele CA349070998.

ClinVar aggregate classification (germline): Pathogenic (1 of 4 stars; one submission).

Conditions:
Early-infantile DEE. Also called: Ohtahara syndrome; Early infantile epileptic encephalopathy with suppression bursts; Early infantile epileptic encephalopathy. Identifiers: Orphanet 1934, MedGen C0393706, MONDO:0800491.

Allele frequency attached by ClinVar (database versions not stated): gnomAD exomes below 0.00001.
gnomAD v4.1: 1 of 1,613,878 alleles (0.000062%); highest among the groups gnomAD compares: Non-Finnish European, 0.000085%; no homozygotes.

Submission:

Labcorp Genetics (formerly Invitae), Labcorp
Classification: Pathogenic for Early-infantile DEE. Last evaluated: 2024-09-17. Review status: criteria provided, single submitter. Criteria: Invitae Variant Classification Sherloc (09022015). Collection method: clinical testing. Allele origin: germline.
Comment: This sequence change replaces methionine, which is neutral and non-polar, with threonine, which is neutral and polar, at codon 400 of the SCN1A protein (p.Met400Thr). This variant is not present in population databases (gnomAD no frequency). This missense change has been observed in individual(s) with clinical features of generalized epilepsy with febrile seizures (internal data). It has also been observed to segregate with disease in related individuals. ClinVar contains an entry for this variant (Variation ID: 1056951). Invitae Evidence Modeling of protein sequence and biophysical properties (such as structural, functional, and spatial information, amino acid conservation, physicochemical variation, residue mobility, and thermodynamic stability) indicates that this missense variant is expected to disrupt SCN1A protein function with a positive predictive value of 95%. This variant disrupts the p.Met400 amino acid residue in SCN1A. Other variant(s) that disrupt this residue have been observed in individuals with SCN1A-related conditions (PMID: 26096185, 34489640), which suggests that this may be a clinically significant amino acid residue. For these reasons, this variant has been classified as Pathogenic.

Literature cited by the submitters: PubMed 26096185; PubMed 34489640.